The following is an entry in ClinVar:

ClinVar aggregate classification (germline): Likely benign (1 of 4 stars; one submission).

Conditions:
SCAPER-related disorder. Also called: SCAPER-related condition.

gnomAD v4.1: 2 of 1,612,394 alleles (0.00012%); highest among the groups gnomAD compares: Admixed American, 0.0033%; no homozygotes.

Submission:

PreventionGenetics, part of Exact Sciences
Classification: Likely benign for SCAPER-related condition. Last evaluated: 2026-08-26. Review status: criteria provided, single submitter. Criteria: ACMG Guidelines, 2015. Collection method: clinical testing. Allele origin: germline.
Comment: This variant is classified as likely benign based on ACMG/AMP sequence variant interpretation guidelines (Richards et al. 2015 PMID: 25741868, with internal and published modifications).

NM_020843.4(SCAPER):c.90T>G (p.Ala30=)

Gene: SCAPER (S-phase cyclin A associated protein in the ER; minus strand). Cytogenetic location: 15q24.3.
Variant type: single nucleotide variant.
Coding change: c.90T>G on transcript NM_020843.4 (MANE Select); coding-DNA position 90, T replaced by G.
Protein change: p.Ala30=; no amino-acid change (alanine 30 retained).
Molecular consequence: synonymous variant. On other transcripts: 5 prime UTR variant (3), non-coding transcript variant (1).
Genome position (GRCh38, 1-based): chr15:76,862,450, A>C on the plus strand (T>G on the coding strand, the complement: SCAPER is on the minus strand). VCF-style: chr15-76862450-A-C. GRCh37 (hg19) VCF-style: chr15-77154791-A-C.
Other names: c.90T>G, p.Ala30= (NM_001353009.2); c.-368T>G (NM_001353010.2); c.-431T>G (NM_001353011.2); c.-313T>G (NM_001353012.2).
Identifiers: ClinVar variation 4995152 (VCV004995152.1).
Genomic context (GRCh38, chr15:76,862,450, plus strand): 5'-ATGAAACTAATTTTTTAAATACATACCATCATCATCTTTGCTTTCTAGTGGAACACTCCA[A>C]GCTATTAGGTTTCTTGCTGTACGACCCTCCTCTGCAACTATTCTCCTTACTTTGTCATGA-3'
Protein context (NP_065894.2, residues 20-40): EEGRTARNLI[Ala30=]WSVPLESKDD